The following is an entry in ClinVar:

NM_000159.4(GCDH):c.271+17G>A

Gene: GCDH (glutaryl-CoA dehydrogenase; plus strand). Cytogenetic location: 19p13.13.
Variant type: single nucleotide variant.
Coding change: c.271+17G>A on transcript NM_000159.4 (MANE Select); 17 bases into the intron after coding-DNA position 271, G replaced by A.
Molecular consequence: intron variant.
Genome position (GRCh38, 1-based): chr19:12,891,991, G>A. VCF-style: chr19-12891991-G-A. GRCh37 (hg19) VCF-style: chr19-13002805-G-A.
Other names: c.271+17G>A (NM_013976.5).
Identifiers: ClinVar variation 2022202 (VCV002022202.1), dbSNP rs2512565251, ClinGen allele CA2580096536.

ClinVar aggregate classification (germline): Uncertain significance (1 of 4 stars; one submission).

Conditions:
Glutaric aciduria, type 1. Also called: Glutaryl-CoA dehydrogenase deficiency; Glutaric Acidemia Type 1; Glutaricaciduria, type I; GA I; Glutaric acidemia type I; Glutaricacidemia Type 1. Identifiers: Orphanet 25, MedGen C0268595, MONDO:0009281, OMIM 231670.

Submission:

Labcorp Genetics (formerly Invitae), Labcorp
Classification: Uncertain significance for Glutaric aciduria, type 1. Last evaluated: 2022-08-06. Review status: criteria provided, single submitter. Criteria: Invitae Variant Classification Sherloc (09022015). Collection method: clinical testing. Allele origin: germline.
Comment: This sequence change falls in intron 4 of the GCDH gene. It does not directly change the encoded amino acid sequence of the GCDH protein. This variant is not present in population databases (gnomAD no frequency). This variant has not been reported in the literature in individuals affected with GCDH-related conditions. Algorithms developed to predict the effect of sequence changes on RNA splicing suggest that this variant may disrupt the consensus splice site. In summary, the available evidence is currently insufficient to determine the role of this variant in disease. Therefore, it has been classified as a Variant of Uncertain Significance.